The following is an entry in ClinVar:

NM_005633.4(SOS1):c.335C>T (p.Pro112Leu)

Gene: SOS1 (SOS Ras/Rac guanine nucleotide exchange factor 1; minus strand). Cytogenetic location: 2p22.1.
Variant type: single nucleotide variant.
Coding change: c.335C>T on transcript NM_005633.4 (MANE Select); coding-DNA position 335, C replaced by T.
Protein change: p.Pro112Leu; replaces proline 112 with leucine.
Molecular consequence: missense variant.
Genome position (GRCh38, 1-based): chr2:39,058,683, G>A on the plus strand (C>T on the coding strand, the complement: SOS1 is on the minus strand). VCF-style: chr2-39058683-G-A. GRCh37 (hg19) VCF-style: chr2-39285824-G-A.
Other names: c.314C>T, p.Pro105Leu (NM_001382394.1); c.335C>T, p.Pro112Leu (NM_001382395.1); short protein forms P105L, P112L.
Identifiers: ClinVar variation 3355333 (VCV003355333.3).
Genomic context (GRCh38, chr2:39,058,683, plus strand): 5'-TGGGTTTTATTTTTCCCTTAAAAGGCAAGAAGGCAGTAGTTCAGCATTACCTTTAATAAA[G>A]GATGAATTTTTTCTACTGGGAGAGATAAAGGGTTTCTTCGCTTCCTCTTTTCAATAGCTG-3'
Protein context (NP_005624.2, residues 102-122): PLSLPVEKIH[Pro112Leu]LLKEVLGYKI

ClinVar aggregate classification (germline): Uncertain significance. Review status: criteria provided, multiple submitters, no conflicts (2 of 4 stars). 2 submissions from 2 submitters: Uncertain significance (2). Last evaluated 2026-05-06.

Conditions:
SOS1-related disorder. Also called: SOS1-related condition.

Submissions (2):

PreventionGenetics, part of Exact Sciences
Classification: Uncertain significance for SOS1-related condition. Last evaluated: 2026-05-06. Review status: criteria provided, single submitter. Criteria: ACMG Guidelines, 2015. Collection method: clinical testing. Allele origin: germline.
Comment: The SOS1 c.335C>T variant is predicted to result in the amino acid substitution p.Pro112Leu. To our knowledge, this variant has not been reported in the literature or in a large population database, indicating this variant is rare. Of note, a different missense variant affecting the same amino acid residue (p.Pro112Arg) has been reported in an individual with Noonan syndrome (Lepri. 2011. PubMed ID: 21387466). At this time, the clinical significance of the c.335C>T (p.Pro112Leu) variant is uncertain due to the absence of conclusive functional and genetic evidence.

GeneDx
Classification: Uncertain significance. Last evaluated: 2023-12-06. Review status: criteria provided, single submitter. Criteria: GeneDx Variant Classification Process June 2021. Collection method: clinical testing. Allele origin: germline. Affected: yes.
Comment: Not observed at significant frequency in large population cohorts (gnomAD); Missense variants in this gene are a common cause of disease and they are underrepresented in the general population; In silico analysis supports that this missense variant has a deleterious effect on protein structure/function; Has not been previously published as pathogenic or benign to our knowledge; This variant is associated with the following publications: (PMID: 29493581)